The following is an entry in ClinVar:

NM_000552.5(VWF):c.605G>A (p.Arg202Gln)

Gene: VWF (von Willebrand factor; minus strand). Cytogenetic location: 12p13.31.
Variant type: single nucleotide variant.
Coding change: c.605G>A on transcript NM_000552.5 (MANE Select); coding-DNA position 605, G replaced by A.
Protein change: p.Arg202Gln; replaces arginine 202 with glutamine.
Molecular consequence: missense variant.
Genome position (GRCh38, 1-based): chr12:6,095,512, C>T on the plus strand (G>A on the coding strand, the complement: VWF is on the minus strand). VCF-style: chr12-6095512-C-T. GRCh37 (hg19) VCF-style: chr12-6204678-C-T.
Other names: c.605G>A (NM_000552.4); short protein forms R202Q.
Identifiers: ClinVar variation 3068896 (VCV003068896.3), dbSNP rs369737556, ClinGen allele CA6403752.

ClinVar aggregate classification (germline): Uncertain significance. Review status: criteria provided, multiple submitters, no conflicts (2 of 4 stars). 2 submissions from 2 submitters: Uncertain significance (2). Last evaluated 2026-06-27.

Conditions:
VWF-related disorder. Also called: VWF-related disorders; VWF-related condition.

Allele frequency attached by ClinVar (database versions not stated): ExAC 0.00002; TOPMed 0.00003; ESP Exome Variant Server 0.00008.

Submissions (2):

PreventionGenetics, part of Exact Sciences
Classification: Uncertain significance for VWF-related condition. Last evaluated: 2026-06-27. Review status: criteria provided, single submitter. Criteria: ACMG Guidelines, 2015. Collection method: clinical testing. Allele origin: germline.
Comment: The VWF c.605G>A variant is predicted to result in the amino acid substitution p.Arg202Gln. This variant was reported in the compound heterozygous state an individual with Von Willebrand disease (Feng et al. 2018. PubMed ID: 29562472). This variant is reported in 0.0031% of alleles in individuals of European (Non-Finnish) descent in gnomAD. At this time, the clinical significance of this variant is uncertain due to the absence of conclusive functional and genetic evidence.

Women's Health and Genetics/Laboratory Corporation of America, LabCorp
Classification: Uncertain significance. Last evaluated: 2024-02-07. Review status: criteria provided, single submitter. Criteria: LabCorp Variant Classification Summary - May 2015. Collection method: clinical testing. Allele origin: germline.
Comment: Variant summary: VWF c.605G>A (p.Arg202Gln) results in a conservative amino acid change in the encoded protein sequence. Three of five in-silico tools predict a damaging effect of the variant on protein function. The variant allele was found at a frequency of 1.2e-05 in 251492 control chromosomes. The available data on variant occurrences in the general population are insufficient to allow any conclusion about variant significance. c.605G>A has been reported in the literature in trans along with a pathogenic variant in VWF in at-least one individual affected with Von Willebrand Disease (example, Feng_2018). These data do not allow any conclusion about variant significance. To our knowledge, no experimental evidence demonstrating an impact on protein function has been reported. The following publication have been ascertained in the context of this evaluation (PMID: 29562472). No submitters have cited clinical-significance assessments for this variant to ClinVar. Based on the evidence outlined above, the variant was classified as uncertain significance.

Literature cited by the submitters: PubMed 29562472 (cited by Women's Health and Genetics/Laboratory Corporation of America, LabCorp).